The following is an entry in ClinVar:

ClinVar aggregate classification (germline): Likely benign. Review status: criteria provided, single submitter (1 of 4 stars). 2 submissions from 2 submitters: Likely benign (1). 1 of the submissions does not count toward it. Last evaluated 2025-09-24.

Conditions:
Blau syndrome (BLAUS). Also called: ARTHROCUTANEOUVEAL GRANULOMATOSIS; GRANULOMATOSIS, FAMILIAL JUVENILE SYSTEMIC; GRANULOMATOSIS, FAMILIAL, BLAU TYPE; GRANULOMATOUS INFLAMMATORY ARTHRITIS, DERMATITIS, AND UVEITIS, FAMILIAL; JABS SYNDROME. Identifiers: Orphanet 90340, MedGen C5201146, MONDO:0008523, OMIM 186580.
Regional enteritis. Also called: Enteritis, Granulomatous. Identifiers: MedGen C0678202, MeSH D003424.

Allele frequency attached by ClinVar (database versions not stated): gnomAD 0.00003 and 0.00004; gnomAD exomes 0.00004; TOPMed 0.00005; ExAC 0.00007; ESP Exome Variant Server 0.00008.
gnomAD v4.1: 61 of 1,613,900 alleles (0.0038%); highest among the groups gnomAD compares: Admixed American, 0.023%; no homozygotes.

Submissions (2):

Labcorp Genetics (formerly Invitae), Labcorp
Classification: Likely benign for Regional enteritis; Blau syndrome. Last evaluated: 2025-09-24. Review status: criteria provided, single submitter. Criteria: Invitae Variant Classification Sherloc (09022015). Collection method: clinical testing. Allele origin: germline.

Unité médicale des maladies autoinflammatoires, CHRU Montpellier
No classification provided. Condition: Sarcoidosis, early-onset. Review status: no classification provided. Collection method: not provided. Allele origin: unknown. Not counted in ClinVar's aggregate classification.
Comment: also involved in OMIM 186580 and 266600

NM_001370466.1(NOD2):c.2844C>T (p.Leu948=)

Gene: NOD2 (nucleotide binding oligomerization domain containing 2; plus strand). Cytogenetic location: 16q12.1.
Variant type: single nucleotide variant.
Coding change: c.2844C>T on transcript NM_001370466.1 (MANE Select); coding-DNA position 2844, C replaced by T.
Protein change: p.Leu948=; no amino-acid change (leucine 948 retained).
Molecular consequence: synonymous variant. On other transcripts: non-coding transcript variant (1).
Genome position (GRCh38, 1-based): chr16:50,725,531, C>T. VCF-style: chr16-50725531-C-T. GRCh37 (hg19) VCF-style: chr16-50759442-C-T.
Other names: c.2925C>T (LRG_177t1); c.2844C>T, p.Leu948= (NM_001293557.2); c.2925C>T, p.Leu975= (NM_022162.3).
Identifiers: ClinVar variation 97871 (VCV000097871.7), dbSNP rs104895463, ClinGen allele CA150317.